The following is an entry in ClinVar:

ClinVar aggregate classification (germline): Uncertain significance (1 of 4 stars; one submission).

Conditions:
Catecholaminergic polymorphic ventricular tachycardia 1. Also called: VENTRICULAR TACHYCARDIA, CATECHOLAMINERGIC POLYMORPHIC, 1, WITH OR WITHOUT ATRIAL DYSFUNCTION AND/OR DILATED CARDIOMYOPATHY; VENTRICULAR TACHYCARDIA, STRESS-INDUCED POLYMORPHIC 1; RYR2-Related Catecholaminergic Polymorphic Ventricular Tachycardia. Identifiers: Orphanet 3286, MedGen C1631597, MONDO:0011484, OMIM 604772.

Submission:

Labcorp Genetics (formerly Invitae), Labcorp
Classification: Uncertain significance for Catecholaminergic polymorphic ventricular tachycardia 1. Last evaluated: 2023-03-01. Review status: criteria provided, single submitter. Criteria: Invitae Variant Classification Sherloc (09022015). Collection method: clinical testing. Allele origin: germline.
Comment: This variant is not present in population databases (gnomAD no frequency). This sequence change replaces leucine, which is neutral and non-polar, with valine, which is neutral and non-polar, at codon 2200 of the RYR2 protein (p.Leu2200Val). In summary, the available evidence is currently insufficient to determine the role of this variant in disease. Therefore, it has been classified as a Variant of Uncertain Significance. Advanced modeling of protein sequence and biophysical properties (such as structural, functional, and spatial information, amino acid conservation, physicochemical variation, residue mobility, and thermodynamic stability) performed at Invitae indicates that this missense variant is expected to disrupt RYR2 protein function. This variant has not been reported in the literature in individuals affected with RYR2-related conditions.

NM_001035.3(RYR2):c.6598C>G (p.Leu2200Val)

Gene: RYR2 (ryanodine receptor 2; plus strand). Cytogenetic location: 1q43.
Variant type: single nucleotide variant.
Coding change: c.6598C>G on transcript NM_001035.3 (MANE Select); coding-DNA position 6598, C replaced by G.
Protein change: p.Leu2200Val; replaces leucine 2200 with valine.
Molecular consequence: missense variant.
Genome position (GRCh38, 1-based): chr1:237,633,620, C>G. VCF-style: chr1-237633620-C-G. GRCh37 (hg19) VCF-style: chr1-237796920-C-G.
Other names: short protein forms L2200V.
Identifiers: ClinVar variation 2841789 (VCV002841789.3), dbSNP rs794728743, ClinGen allele CA345394040.